The following is an entry in ClinVar:

ClinVar aggregate classification (germline): Uncertain significance (1 of 4 stars; one submission).

Submission:

Labcorp Genetics (formerly Invitae), Labcorp
Classification: Uncertain significance. Last evaluated: 2021-12-01. Review status: criteria provided, single submitter. Criteria: Invitae Variant Classification Sherloc (09022015). Collection method: clinical testing. Allele origin: germline.
Comment: This variant has not been reported in the literature in individuals affected with FAT1-related conditions. This sequence change replaces valine, which is neutral and non-polar, with alanine, which is neutral and non-polar, at codon 317 of the FAT1 protein (p.Val317Ala). This variant is not present in population databases (gnomAD no frequency). Algorithms developed to predict the effect of missense changes on protein structure and function are either unavailable or do not agree on the potential impact of this missense change (SIFT: "Deleterious"; PolyPhen-2: "Benign"; Align-GVGD: "Class C25"). In summary, the available evidence is currently insufficient to determine the role of this variant in disease. Therefore, it has been classified as a Variant of Uncertain Significance.

NM_005245.4(FAT1):c.950T>C (p.Val317Ala)

Gene: FAT1 (FAT atypical cadherin 1; minus strand). Cytogenetic location: 4q35.2.
Variant type: single nucleotide variant.
Coding change: c.950T>C on transcript NM_005245.4 (MANE Select); coding-DNA position 950, T replaced by C.
Protein change: p.Val317Ala; replaces valine 317 with alanine.
Molecular consequence: missense variant.
Genome position (GRCh38, 1-based): chr4:186,708,878, A>G on the plus strand (T>C on the coding strand, the complement: FAT1 is on the minus strand). VCF-style: chr4-186708878-A-G. GRCh37 (hg19) VCF-style: chr4-187630032-A-G.
Other names: short protein forms V317A.
Identifiers: ClinVar variation 1468666 (VCV001468666.6), dbSNP rs1561010997, ClinGen allele CA358990174.
Genomic context (GRCh38, chr4:186,708,878, plus strand): 5'-TGTAGTGTGAGATTGTAGCCGAAAGGATGACTGTCCCAATCAATGCCACCGATGGCTTTG[A>G]CTTTATACTCCTTACTCCCTGGAAAGGACCTCACTGTTCTAAACTGCTGGAGAAGGTCAC-3'
Protein context (NP_005236.2, residues 307-327): RSFPGSKEYK[Val317Ala]KAIGGIDWDS